The following continues an entry in ClinVar:

NM_001048174.2(MUTYH):c.652G>T (p.Val218Phe)

Gene: MUTYH. ClinVar aggregate classification (germline): Pathogenic/Likely pathogenic. Pathogenic (1); Likely pathogenic (17).

Submissions 6 to 19 of 19:

Quest Diagnostics Nichols Institute San Juan Capistrano
Classification: Likely pathogenic. Last evaluated: 2025-01-16. Review status: criteria provided, single submitter. Criteria: Quest Diagnostics criteria. Collection method: clinical testing. Allele origin: unknown.
Comment: The MUTYH c.736G>T (p.Val246Phe) variant has been reported in the published literature in individuals affected with polyposis who also carry a second pathogenic MUTYH variant (PMIDs: 20687945 (2010), 19793053 (2009), 12606733 (2003)). It has also been reported in individuals affected with polyposis and without a second pathogenic MUTYH variant (PMID: 19531215 (2009)) as well as breast cancer (PMID: 24733792 (2014)). Additionally, functional evidence suggests that this variant may impact protein function (PMID: 15673720 (2005)). The frequency of this variant in the general population (Genome Aggregation Database) is consistent with pathogenicity. Analysis of this variant using bioinformatics tools for the prediction of the effect of amino acid changes on protein structure and function yielded conflicting predictions that this variant is deleterious or benign. Based on the available information, this variant is classified as likely pathogenic.

Revvity Omics, Revvity
Classification: Likely pathogenic for Familial adenomatous polyposis 2. Last evaluated: 2024-10-23. Review status: criteria provided, single submitter. Criteria: ACMG Guidelines, 2015. Collection method: clinical testing. Allele origin: germline.

Institute for Biomarker Research, Medical Diagnostic Laboratories, L.L.C.
Classification: Likely pathogenic for Hereditary cancer-predisposing syndrome. Last evaluated: 2024-08-28. Review status: criteria provided, single submitter. Criteria: ACMG Guidelines, 2015. Collection method: clinical testing. Allele origin: germline.
Comment: The missense variant NM_001128425.2(MUTYH):c.736G>T (p.Val246Phe) causes the same amino acid change as a previously established pathogenic variant. There is a small physicochemical difference between valine and phenylalanine, which is not likely to impact secondary protein structure as these residues share similar properties. 6 variants within 6 amino acid positions of the variant p.Val246Phe have been shown to be pathogenic, while none have been shown to be benign. For these reasons, this variant has been classified as Likely Pathogenic

All of Us Research Program, National Institutes of Health
Classification: Likely pathogenic for Familial adenomatous polyposis 2. Last evaluated: 2024-08-06. Review status: criteria provided, single submitter. Criteria: ACMG Guidelines, 2015. Collection method: clinical testing. Allele origin: germline. Inheritance: Autosomal recessive inheritance. Observed: 14 variant alleles, 14 heterozygotes.
Comment: This missense variant replaces valine with phenylalanine at codon 246 of the MUTYH protein. This variant is also known as c.694G>T (p.Val232Phe) based on an alternative transcript (NM_001048171). Computational prediction is inconclusive regarding the impact of this variant on protein structure and function (internally defined REVEL score threshold 0.5 < inconclusive < 0.7, PMID: 27666373). Functional studies reported this variant protein exhibited partially defective glycosylase and DNA binding activity (PMID: 15673720) but showed conflicting results in E. coli complementation assays, from defective to wild-type activity (PMID: 15673720, 25820570). This variant has been reported in individuals affected with multiple adenomas or polyposis (PMID: 12606733, 19793053, 20687945). At least one of these individuals carried a second pathogenic MUTYH variant in the compound heterozygous state (PMID: 12606733) while another individual carried a MUTYH variant of uncertain significance in trans (PMID: 20687945). This variant has also been reported in individuals affected with colorectal cancer, including one individual who carried this variant in the homozygous state (PMID: 19531215; ClinVar SCV000186631.8). In addition, this variant has been observed in individuals affected with gastrointestinal/neuroendocrine tumors (PMID: 26556299), bilateral breast cancer (PMID: 24733792), unilateral breast cancer (PMID: 33471991, 35264596), and head neck squamous cell carcinoma (PMID: 34598035). This variant has been identified in 14/250286 chromosomes in the general population by the Genome Aggregation Database (gnomAD). Based on the available evidence, this variant is classified as Likely Pathogenic.

This study involves interpretation of variants in research participants for the purpose of population health screening. Participant phenotype was not available at the time of variant classification. Additional details can be found in publication PMID: 35346344, PMCID: PMC8962531

Illumina Laboratory Services, Illumina
Classification: Likely pathogenic for Familial adenomatous polyposis 2. Last evaluated: 2024-07-22. Review status: criteria provided, single submitter. Criteria: ICSLVariantClassificationCriteria RUGD 01 April 2020. Collection method: clinical testing. Allele origin: unknown.

GeneDx
Classification: Likely pathogenic. Last evaluated: 2024-03-12. Review status: criteria provided, single submitter. Criteria: GeneDx Variant Classification Process June 2021. Collection method: clinical testing. Allele origin: germline. Affected: yes.
Comment: Published functional studies demonstrate a damaging effect: reduced glycosylase and DNA-binding activity as compared to wild type; however, ability to suppress mutation rates in MutY-deficient E. coli have been mixed (PMID: 15673720, 25820570); In silico analysis supports that this missense variant does not alter protein structure/function; This variant is associated with the following publications: (PMID: 26694661, 23605219, 19531215, 20687945, 19506731, 26556299, 19793053, 25820570, 15673720, 24733792, 12606733, 17161978, 18534194, 16042573, 23507534, 20725929, 19931546, 28152038, 35264596, 23108399, 11801590, 35980532, 34598035, 33471991, 35534704)

Baylor Genetics
Classification: Likely pathogenic for Familial adenomatous polyposis 2. Last evaluated: 2024-02-14. Review status: criteria provided, single submitter. Criteria: ACMG Guidelines, 2015. Collection method: clinical testing. Allele origin: unknown.

Fulgent Genetics
Classification: Likely pathogenic for Familial adenomatous polyposis 2; Gastric cancer. Last evaluated: 2024-01-08. Review status: criteria provided, single submitter. Criteria: ACMG Guidelines, 2015. Collection method: clinical testing. Allele origin: germline.

Laboratorio de Genetica e Diagnostico Molecular, Hospital Israelita Albert Einstein
Classification: Likely pathogenic for Familial adenomatous polyposis 2. Last evaluated: 2022-02-15. Review status: criteria provided, single submitter. Criteria: ACMG Guidelines, 2015. Collection method: clinical testing. Allele origin: germline. Affected: yes.
Comment: ACMG classification criteria: PS4 moderate

Sema4
Classification: Likely pathogenic for Hereditary cancer-predisposing syndrome. Last evaluated: 2022-02-12. Review status: criteria provided, single submitter. Criteria: Sema4 Curation Guidelines. Collection method: curation. Allele origin: germline.
Comment: The MUTYH c.736G>T (p.V246F) variant has been reported in at least 3 individuals with MUTYH-associated polyposis and/or colorectal cancer in presumed compound heterozygous states (19793053, 20687945, 1260673). It has also been reported in a patient with adenomatous polyposis and a patient with gastrointestinal neuroendocrine tumor but zygosity was not specified (19531215, 26556299). This variant was also detected in 3 individuals with breast cancer (PMID 33471991, 24733792). This variant is also known as c.694G>T and c.652G>T in the literature. This variant involves a moderately conserved amino acid, and computational analyses do not provide strong support for or against an impact to the protein. Functional studies have shown that this variants results in reduced glycosylase activity and affects MUTYH protein function (PMID: 15673720, 25820570). It was observed in 13/34544 chromosomes of the Latino/Admixed American subpopulation in the Genome Aggregation Database. This variant has been reported in ClinVar (Variation ID: 135990). Based on the current evidence available, this variant is interpreted as likely pathogenic.

MGZ Medical Genetics Center
Classification: Likely pathogenic for Familial adenomatous polyposis 2. Last evaluated: 2021-11-09. Review status: criteria provided, single submitter. Criteria: ACMG Guidelines, 2015. Collection method: clinical testing. Allele origin: germline. Affected: yes. Observed: 1 variant allele.
Comment: ACMG criteria applied: PS4_MOD, PM3, PS3_SUP, PM2_SUP

Baylor Genetics
Classification: Likely pathogenic for Pilomatrixoma. Last evaluated: 2019-09-25. Review status: criteria provided, single submitter. Criteria: ACMG Guidelines, 2015. Collection method: clinical testing. Allele origin: unknown. Affected: yes. Study: CSER-TexasKidsCanSeq.
Comment: This variant was determined to be likely pathogenic according to ACMG Guidelines, 2015 [PMID:25741868]. This variant has been previously reported as disease-causing [PMID 12606733, 15673720, 25820570, 24733792, 28152038, 26556299; ClinVar: 135990]

Mendelics
Classification: Likely pathogenic for MYH-associated polyposis. Last evaluated: 2018-07-02. Review status: criteria provided, single submitter. Criteria: Mendelics Assertion Criteria 2017. Collection method: clinical testing. Allele origin: unknown.

Counsyl
Classification: Likely pathogenic for Familial adenomatous polyposis 2. Last evaluated: 2015-12-01. Review status: no assertion criteria provided. Collection method: clinical testing. Allele origin: unknown. Not counted in ClinVar's aggregate classification.

Literature cited by the submitters: PubMed 12606733 (cited by 8 submitters); PubMed 19793053 (cited by 7 submitters); PubMed 20687945 (cited by 7 submitters); PubMed 15673720 (cited by 9 submitters); PubMed 18534194 (cited by Labcorp Genetics (formerly Invitae), Labcorp and Women's Health and Genetics/Laboratory Corporation of America, LabCorp); PubMed 11801590 (cited by Ambry Genetics); PubMed 19531215 (cited by 5 submitters); PubMed 25820570 (cited by 8 submitters); PubMed 26556299 (cited by 4 submitters); PubMed 28152038 (cited by Ambry Genetics and Baylor Genetics); PubMed 40738107 (cited by Ambry Genetics); PubMed 24733792 (cited by 6 submitters); PubMed 33471991 (cited by 3 submitters); PubMed 34598035 (cited by Color Diagnostics, LLC DBA Color Health and All of Us Research Program, National Institutes of Health); PubMed 35264596 (cited by 3 submitters); PubMed 26377631 (cited by Women's Health and Genetics/Laboratory Corporation of America, LabCorp); PubMed 35980532 (cited by Women's Health and Genetics/Laboratory Corporation of America, LabCorp); PubMed 28087410 (cited by Quest Diagnostics Nichols Institute San Juan Capistrano).